The following is an entry in ClinVar:

ClinVar aggregate classification (germline): Pathogenic (1 of 4 stars; one submission).

Conditions:
Vici syndrome (VICIS). Identifiers: Orphanet 1493, MedGen C1855772, MONDO:0009452, OMIM 242840.

Submission:

Labcorp Genetics (formerly Invitae), Labcorp
Classification: Pathogenic for Vici syndrome. Last evaluated: 2025-04-03. Review status: criteria provided, single submitter. Criteria: Invitae Variant Classification Sherloc (09022015). Collection method: clinical testing. Allele origin: germline.
Comment: This sequence change creates a premature translational stop signal (p.Met1891Asnfs*13) in the EPG5 gene. It is expected to result in an absent or disrupted protein product. Loss-of-function variants in EPG5 are known to be pathogenic (PMID: 23222957, 23674064). This variant is not present in population databases (gnomAD no frequency). This variant has not been reported in the literature in individuals affected with EPG5-related conditions. ClinVar contains an entry for this variant (Variation ID: 2862834). For these reasons, this variant has been classified as Pathogenic.

Literature cited by the submitters: PubMed 23222957; PubMed 23674064.

NM_020964.3(EPG5):c.5669dup (p.Met1891fs)

Gene: EPG5 (ectopic P-granules 5 autophagy tethering factor; minus strand). Cytogenetic location: 18q12.3.
Variant type: Duplication.
Coding change: c.5669dup on transcript NM_020964.3 (MANE Select); coding-DNA position 5669, one base duplicated (T; older notation c.5669dupT).
Protein change: p.Met1891fs; shifts the reading frame from methionine 1891.
Molecular consequence: frameshift variant.
Genome position (GRCh38, 1-based): chr18:45,879,213, A duplicated on the plus strand (T on the coding strand, the reverse complement: EPG5 is on the minus strand). VCF-style (leftmost placement, unchanged base first): chr18-45879212-T-TA. GRCh37 (hg19) VCF-style: chr18-43459177-T-TA.
Other names: c.5669dup, p.Met1891fs (NM_001410858.1, NM_001410859.1); short protein forms M1891fs.
Identifiers: ClinVar variation 2862834 (VCV002862834.3), dbSNP rs2511568533, ClinGen allele CA2739268679.